The following is an entry in ClinVar:

ClinVar aggregate classification (germline): Pathogenic/Likely pathogenic. Review status: criteria provided, multiple submitters, no conflicts (2 of 4 stars). 3 submissions from 3 submitters: Pathogenic (1); Likely pathogenic (2). Last evaluated 2025-12-31.

Conditions:
SP110-related disorder. Also called: SP110-related condition.
Mycobacterium tuberculosis, susceptibility to. Identifiers: MedGen C1834752, OMIM 607948.
Hepatic veno-occlusive disease-immunodeficiency syndrome. Also called: Hepatic Veno-Occlusive Disease with Immunodeficiency. Identifiers: Orphanet 79124, MedGen C1856128, MONDO:0009338, OMIM 235550. Disease mechanism: loss of function.

Allele frequency attached by ClinVar (database versions not stated): TOPMed 0.00003; gnomAD 0.00007.
gnomAD v4.1: 185 of 1,613,914 alleles (0.011%); highest among the groups gnomAD compares: Non-Finnish European, 0.014%; no homozygotes.

Submissions (3):

Labcorp Genetics (formerly Invitae), Labcorp
Classification: Pathogenic for Hepatic veno-occlusive disease-immunodeficiency syndrome. Last evaluated: 2025-12-31. Review status: criteria provided, single submitter. Criteria: Invitae Variant Classification Sherloc (09022015). Collection method: clinical testing. Allele origin: germline.
Comment: This sequence change creates a premature translational stop signal (p.Arg344*) in the SP110 gene. It is expected to result in an absent or disrupted protein product. Loss-of-function variants in SP110 are known to be pathogenic (PMID: 16648851, 22621957). This variant is present in population databases (rs199938221, gnomAD 0.01%). This variant has not been reported in the literature in individuals affected with SP110-related conditions. ClinVar contains an entry for this variant (Variation ID: 840660). For these reasons, this variant has been classified as Pathogenic.

Blueprint Genetics
Classification: Likely pathogenic for SP110-related disorders. Last evaluated: 2024-09-03. Review status: criteria provided, single submitter. Criteria: ACMG Guidelines, 2015. Collection method: clinical testing. Allele origin: germline. Affected: yes. Observed: 2 variant alleles.

Fulgent Genetics
Classification: Likely pathogenic for Hepatic veno-occlusive disease-immunodeficiency syndrome; Mycobacterium tuberculosis, susceptibility to. Last evaluated: 2024-05-29. Review status: criteria provided, single submitter. Criteria: ACMG Guidelines, 2015. Collection method: clinical testing. Allele origin: germline.

Literature cited by the submitters: PubMed 16648851 (cited by Labcorp Genetics (formerly Invitae), Labcorp); PubMed 22621957 (cited by Labcorp Genetics (formerly Invitae), Labcorp).

NM_080424.4(SP110):c.1030C>T (p.Arg344Ter)

Genes: SP110 (SP110 nuclear body protein; minus strand), SP140 (SP140 nuclear body protein; plus strand). Cytogenetic location: 2q37.1.
Variant type: single nucleotide variant.
Coding change: c.1030C>T on transcript NM_080424.4 (MANE Select); coding-DNA position 1030, C replaced by T.
Protein change: p.Arg344Ter; replaces arginine 344 with a stop codon.
Molecular consequence: nonsense. On other transcripts: intron variant (1).
Genome position (GRCh38, 1-based): chr2:230,202,597, G>A on the plus strand (C>T on the coding strand, the complement: SP110 is on the minus strand). VCF-style: chr2-230202597-G-A. GRCh37 (hg19) VCF-style: chr2-231067313-G-A.
Other names: c.1030C>T (NM_004509.4); c.1048C>T, p.Arg350Ter (NM_001185015.2, NM_001378442.1, NM_001378444.1 and 2 more transcripts); c.1030C>T, p.Arg344Ter (NM_001378443.1, NM_004509.5, NM_004510.4); c.899-1632C>T (NM_001378447.1); short protein forms R344*, R350*.
Identifiers: ClinVar variation 840660 (VCV000840660.8), dbSNP rs199938221, ClinGen allele CA2154660.
Genomic context (GRCh38, chr2:230,202,597, plus strand): 5'-ACACTGAGCCATTCAAATGGCAGATTCCATCATCAGCCTTACCCTCTGATCTCGACTTTC[G>A]GGCACATTCAGTTCTCGCCTTTTGGGCCCTTGTCTCTACCGTGGAGTTACAAGTTGAGTC-3'